The following is an entry in ClinVar:

ClinVar aggregate classification (germline): Uncertain significance. Review status: criteria provided, multiple submitters, no conflicts (2 of 4 stars). 4 submissions from 4 submitters: Uncertain significance (4). Last evaluated 2019-11-23.

Conditions:
Developmental and epileptic encephalopathy, 12 (DEE12). Identifiers: MedGen C3150988, MONDO:0013389, OMIM 613722.
Microcephaly, seizures, and developmental delay. Identifiers: Orphanet 1934, MedGen C3150667, MONDO:0013254, OMIM 613402.

Allele frequency attached by ClinVar (database versions not stated): gnomAD exomes below 0.00001.
gnomAD v4.1: 2 of 1,547,762 alleles (0.00013%); highest among the groups gnomAD compares: Middle Eastern, 0.018%; no homozygotes.

Submissions (4):

Blueprint Genetics
Classification: Uncertain significance. Last evaluated: 2019-11-23. Review status: criteria provided, single submitter. Criteria: ACMG Guidelines, 2015. Collection method: clinical testing. Allele origin: germline.

Illumina Laboratory Services, Illumina
Classification: Uncertain significance for Microcephaly, seizures, and developmental delay. Last evaluated: 2018-01-12. Review status: criteria provided, single submitter. Criteria: ICSL Variant Classification Criteria 13 December 2019. Collection method: clinical testing. Allele origin: germline.

Labcorp Genetics (formerly Invitae), Labcorp
Classification: Uncertain significance for Developmental and epileptic encephalopathy, 12. Last evaluated: 2016-09-22. Review status: criteria provided, single submitter. Criteria: Invitae Variant Classification Sherloc (09022015). Collection method: clinical testing. Allele origin: germline.
Comment: In summary, this variant is a rare missense change that is not predicted to affect protein function. There is no indication that it causes disease, but the available evidence is currently insufficient to prove that conclusively. Therefore, it has been classified as a Variant of Uncertain Significance. Algorithms developed to predict the effect of missense changes on protein structure and function (SIFT, PolyPhen-2, Align-GVGD) all suggest that this variant is likely to be tolerated, but these predictions have not been confirmed by published functional studies. This variant is not present in population databases (ExAC no frequency) and has not been reported in the literature in individuals with a PNKP-related disease. ClinVar contains an entry for this variant (Variation ID: 159789). This sequence change replaces alanine with glycine at codon 440 of the PNKP protein (p.Ala440Gly). The alanine residue is weakly conserved and there is a small physicochemical difference between alanine and glycine.

Genetic Services Laboratory, University of Chicago
Classification: Uncertain significance for Epileptic encephalopathy, early infantile, 10. Last evaluated: 2014-05-19. Review status: criteria provided, single submitter. Criteria: ACMG Guidelines, 2015. Collection method: clinical testing. Allele origin: germline. Inheritance: Autosomal recessive inheritance.

NM_007254.4(PNKP):c.1319C>G (p.Ala440Gly)

Gene: PNKP (polynucleotide kinase 3'-phosphatase; minus strand). Cytogenetic location: 19q13.33.
Variant type: single nucleotide variant.
Coding change: c.1319C>G on transcript NM_007254.4 (MANE Select); coding-DNA position 1319, C replaced by G.
Protein change: p.Ala440Gly; replaces alanine 440 with glycine.
Molecular consequence: missense variant.
Genome position (GRCh38, 1-based): chr19:49,861,675, G>C on the plus strand (C>G on the coding strand, the complement: PNKP is on the minus strand). VCF-style: chr19-49861675-G-C. GRCh37 (hg19) VCF-style: chr19-50364932-G-C.
Other names: short protein forms A440G.
Identifiers: ClinVar variation 159789 (VCV000159789.19), dbSNP rs377688490, ClinGen allele CA251144.